The following is an entry in ClinVar:

NM_001042492.3(NF1):c.1955G>T (p.Arg652Leu)

Gene: NF1 (neurofibromin 1; plus strand). Cytogenetic location: 17q11.2.
Variant type: single nucleotide variant.
Coding change: c.1955G>T on transcript NM_001042492.3 (MANE Select); coding-DNA position 1955, G replaced by T.
Protein change: p.Arg652Leu; replaces arginine 652 with leucine.
Molecular consequence: missense variant.
Genome position (GRCh38, 1-based): chr17:31,225,204, G>T. VCF-style: chr17-31225204-G-T. GRCh37 (hg19) VCF-style: chr17-29552222-G-T.
Other names: c.1955G>T, p.Arg652Leu (NM_000267.4); short protein forms R652L.
Identifiers: ClinVar variation 1005065 (VCV001005065.6), dbSNP rs587778549, ClinGen allele CA399005501.

ClinVar aggregate classification (germline): Uncertain significance. Review status: criteria provided, multiple submitters, no conflicts (2 of 4 stars). 2 submissions from 2 submitters: Uncertain significance (2). Last evaluated 2025-03-18.

Conditions:
Hereditary cancer-predisposing syndrome. Also called: Hereditary neoplastic syndrome; Neoplastic Syndromes, Hereditary; Tumor predisposition; Hereditary Cancer Syndrome. Identifiers: Orphanet 140162, MedGen C0027672, MeSH D009386, MONDO:0015356.
Cardiovascular phenotype. Identifiers: MedGen CN230736.
Neurofibromatosis, type 1 (NF1). Also called: NEUROFIBROMATOSIS, TYPE I, SOMATIC; Peripheral type neurofibromatosis; VON RECKLINGHAUSEN DISEASE; Neurofibromatosis, type I. Identifiers: Orphanet 636, MedGen C0027831, MONDO:0018975, OMIM 162200. Disease mechanism: loss of function.

Submissions (2):

Ambry Genetics
Classification: Uncertain significance for Cardiovascular phenotype; Hereditary cancer-predisposing syndrome. Last evaluated: 2025-03-18. Review status: criteria provided, single submitter. Criteria: Ambry Variant Classification Scheme 2023. Collection method: clinical testing. Allele origin: germline.
Comment: The p.R652L variant (also known as c.1955G>T), located in coding exon 17 of the NF1 gene, results from a G to T substitution at nucleotide position 1955. The arginine at codon 652 is replaced by leucine, an amino acid with dissimilar properties. This amino acid position is highly conserved in available vertebrate species. In addition, the in silico prediction for this alteration is inconclusive. Based on the available evidence, the clinical significance of this variant remains unclear.

Labcorp Genetics (formerly Invitae), Labcorp
Classification: Uncertain significance for Neurofibromatosis, type 1. Last evaluated: 2020-04-21. Review status: criteria provided, single submitter. Criteria: Invitae Variant Classification Sherloc (09022015). Collection method: clinical testing. Allele origin: germline.
Comment: In summary, the available evidence is currently insufficient to determine the role of this variant in disease. Therefore, it has been classified as a Variant of Uncertain Significance. Algorithms developed to predict the effect of missense changes on protein structure and function (SIFT, PolyPhen-2, Align-GVGD) all suggest that this variant is likely to be tolerated, but these predictions have not been confirmed by published functional studies and their clinical significance is uncertain. This variant has been observed in individual(s) with breast cancer (PMID: 30287823). This variant is not present in population databases (ExAC no frequency). This sequence change replaces arginine with leucine at codon 652 of the NF1 protein (p.Arg652Leu). The arginine residue is moderately conserved and there is a moderate physicochemical difference between arginine and leucine.

Literature cited by the submitters: PubMed 30287823 (cited by Labcorp Genetics (formerly Invitae), Labcorp).